The following is an entry in ClinVar:

ClinVar aggregate classification (germline): Uncertain significance (1 of 4 stars; one submission).

Allele frequency attached by ClinVar (database versions not stated): gnomAD exomes below 0.00001.
gnomAD v4.1: 1 of 1,614,218 alleles (0.000062%); highest among the groups gnomAD compares: South Asian, 0.0011%; no homozygotes.

Submission:

Labcorp Genetics (formerly Invitae), Labcorp
Classification: Uncertain significance. Last evaluated: 2022-06-05. Review status: criteria provided, single submitter. Criteria: Invitae Variant Classification Sherloc (09022015). Collection method: clinical testing. Allele origin: germline.
Comment: This sequence change replaces histidine, which is basic and polar, with tyrosine, which is neutral and polar, at codon 348 of the PLXNA2 protein (p.His348Tyr). This variant is not present in population databases (gnomAD no frequency). This variant has not been reported in the literature in individuals affected with PLXNA2-related conditions. ClinVar contains an entry for this variant (Variation ID: 1474575). Algorithms developed to predict the effect of missense changes on protein structure and function (SIFT, PolyPhen-2, Align-GVGD) all suggest that this variant is likely to be tolerated. In summary, the available evidence is currently insufficient to determine the role of this variant in disease. Therefore, it has been classified as a Variant of Uncertain Significance.

NM_025179.4(PLXNA2):c.1042C>T (p.His348Tyr)

Gene: PLXNA2 (plexin A2; minus strand). Cytogenetic location: 1q32.2.
Variant type: single nucleotide variant.
Coding change: c.1042C>T on transcript NM_025179.4 (MANE Select); coding-DNA position 1042, C replaced by T.
Protein change: p.His348Tyr; replaces histidine 348 with tyrosine.
Molecular consequence: missense variant.
Genome position (GRCh38, 1-based): chr1:208,216,881, G>A on the plus strand (C>T on the coding strand, the complement: PLXNA2 is on the minus strand). VCF-style: chr1-208216881-G-A. GRCh37 (hg19) VCF-style: chr1-208390226-G-A.
Other names: short protein forms H348Y.
Identifiers: ClinVar variation 1474575 (VCV001474575.6), dbSNP rs2102611817, ClinGen allele CA344557721.
Genomic context (GRCh38, chr1:208,216,881, plus strand): 5'-TGATCTGCAAGTTGATGGCCCGGATAGGGAAGGCACACAGGGCAGAGTCATCGGGCGGGT[G>A]GTGATACTGCTTCTGCCCTTTGGAGAAGATGGCAAAGAGTACATCGTCCTGGCTGGTGAT-3'
Protein context (NP_079455.3, residues 338-358): IFSKGQKQYH[His348Tyr]PPDDSALCAF